The following is an entry in ClinVar:

NM_015338.6(ASXL1):c.2458G>A (p.Asp820Asn)

Gene: ASXL1 (ASXL transcriptional regulator 1; plus strand). Cytogenetic location: 20q11.21.
Variant type: single nucleotide variant.
Coding change: c.2458G>A on transcript NM_015338.6 (MANE Select); coding-DNA position 2458, G replaced by A.
Protein change: p.Asp820Asn; replaces aspartic acid 820 with asparagine.
Molecular consequence: missense variant.
Genome position (GRCh38, 1-based): chr20:32,435,170, G>A. VCF-style: chr20-32435170-G-A. GRCh37 (hg19) VCF-style: chr20-31022973-G-A.
Other names: c.2275G>A, p.Asp759Asn (NM_001363734.1); short protein forms D759N, D820N.
Identifiers: ClinVar variation 4864117 (VCV004864117.1).

ClinVar aggregate classification (germline): Uncertain significance (1 of 4 stars; one submission).

Conditions:
Inborn genetic diseases. Identifiers: MedGen C0950123, MeSH D030342.

gnomAD v4.1: 1 of 1,613,918 alleles (0.000062%); highest among the groups gnomAD compares: South Asian, 0.0011%; no homozygotes.

Submission:

Ambry Genetics
Classification: Uncertain significance for Inborn genetic diseases. Last evaluated: 2026-03-24. Review status: criteria provided, single submitter. Criteria: Ambry Variant Classification Scheme 2023. Collection method: clinical testing. Allele origin: germline.
Comment: The p.D820N variant (also known as c.2458G>A), located in coding exon 13 of the ASXL1 gene, results from a G to A substitution at nucleotide position 2458. The aspartic acid at codon 820 is replaced by asparagine, an amino acid with highly similar properties. This amino acid position is conserved. In addition, this alteration is predicted to be tolerated by in silico analysis. Based on the available evidence, the clinical significance of this variant remains unclear.